The following is an entry in ClinVar:

NM_002691.4(POLD1):c.2115dup (p.Ala706fs)

Gene: POLD1 (DNA polymerase delta 1, catalytic subunit; plus strand). Cytogenetic location: 19q13.33.
Variant type: Duplication.
Coding change: c.2115dup on transcript NM_002691.4 (MANE Select); coding-DNA position 2115, one base duplicated (C; older notation c.2115dupC).
Protein change: p.Ala706fs; shifts the reading frame from alanine 706.
Molecular consequence: frameshift variant. On other transcripts: non-coding transcript variant (1).
Genome position (GRCh38, 1-based): chr19:50,409,627, C duplicated. VCF-style (leftmost placement, unchanged base first): chr19-50409626-G-GC. GRCh37 (hg19) VCF-style: chr19-50912883-G-GC.
Other names: c.2115dupC (NM_002691.2); c.2115dup, p.Ala706fs (NM_001256849.1); c.2193dup, p.Ala732fs (NM_001308632.1); short protein forms A732fs, A706fs.
Identifiers: ClinVar variation 1432166 (VCV001432166.9), dbSNP rs2122388844, ClinGen allele CA2573156710.

ClinVar aggregate classification (germline): Uncertain significance. Review status: criteria provided, multiple submitters, no conflicts (2 of 4 stars). 2 submissions from 2 submitters: Uncertain significance (2). Last evaluated 2025-06-25.

Conditions:
Hereditary cancer-predisposing syndrome. Also called: Neoplastic Syndromes, Hereditary; Tumor predisposition; Hereditary Cancer Syndrome; Hereditary neoplastic syndrome. Identifiers: Orphanet 140162, MedGen C0027672, MeSH D009386, MONDO:0015356.
POLD1-related polyposis and colorectal cancer syndrome (CRCS10). Also called: Colorectal cancer 10; COLORECTAL CANCER, SUSCEPTIBILITY TO, ON CHROMOSOME 19q; Colorectal cancer, susceptibility to, 10. Identifiers: Orphanet 220460, MedGen C2675481, MONDO:0012953, OMIM 612591.

Submissions (2):

Ambry Genetics
Classification: Uncertain significance for Hereditary cancer-predisposing syndrome. Last evaluated: 2025-06-25. Review status: criteria provided, single submitter. Criteria: Ambry Variant Classification Scheme 2023. Collection method: clinical testing. Allele origin: germline.
Comment: The c.2115dupC variant, located in coding exon 16 of the POLD1 gene, results from a duplication of C at nucleotide position 2115, causing a translational frameshift with a predicted alternate stop codon (p.A706Rfs*33). This alteration is expected to result in protein truncation or nonsense-mediated mRNA decay. However, loss of function of POLD1 has not been established as a mechanism of disease. Based on the available evidence, the clinical significance of this alteration remains unclear.

Labcorp Genetics (formerly Invitae), Labcorp
Classification: Uncertain significance for POLD1-related polyposis and colorectal cancer syndrome. Last evaluated: 2024-08-13. Review status: criteria provided, single submitter. Criteria: Invitae Variant Classification Sherloc (09022015). Collection method: clinical testing. Allele origin: germline.
Comment: This sequence change creates a premature translational stop signal (p.Ala706Argfs*33) in the POLD1 gene. Missense variants that disrupt the 3'-5' exonuclease (proof-reading) activity of the POLD1 protein are associated with PPAP (polymerase proofreading–associated polyposis) (PMID: 23263490, 23447401). However, loss-of-function variants that result in an absent or severely disrupted POLD1 protein, and missense variants outside the exonuclease domain, are unlikely to be associated with PPAP. This variant is not present in population databases (gnomAD no frequency). This variant has not been reported in the literature in individuals affected with POLD1-related conditions. ClinVar contains an entry for this variant (Variation ID: 1432166). Algorithms developed to predict the effect of sequence changes on RNA splicing suggest that this variant may disrupt the consensus splice site. In summary, the available evidence is currently insufficient to determine the role of this variant in disease. Therefore, it has been classified as a Variant of Uncertain Significance.

Literature cited by the submitters: PubMed 23263490 (cited by Labcorp Genetics (formerly Invitae), Labcorp); PubMed 23447401 (cited by Labcorp Genetics (formerly Invitae), Labcorp).